The following is an entry in ClinVar:

NM_002529.4(NTRK1):c.-28C>A

Genes: NTRK1 (neurotrophic receptor tyrosine kinase 1; plus strand), LOC129931647 (ATAC-STARR-seq lymphoblastoid silent region 1439; plus strand). Cytogenetic location: 1q23.1.
Variant type: single nucleotide variant.
Coding change: c.-28C>A on transcript NM_002529.4 (MANE Select); 28 bases upstream of the start codon, C replaced by A.
Molecular consequence: 5 prime UTR variant. On other transcripts: intron variant (1).
Genome position (GRCh38, 1-based): chr1:156,860,907, C>A. VCF-style: chr1-156860907-C-A. GRCh37 (hg19) VCF-style: chr1-156830699-C-A.
Other names: c.-28C>A (NM_001012331.2); c.123-3447C>A (NM_001007792.1).
Identifiers: ClinVar variation 514261 (VCV000514261.1), dbSNP rs753655855, ClinGen allele CA1168811.
Genomic context (GRCh38, chr1:156,860,907, plus strand): 5'-CCCAGCGCACATGTCGGGGGAGGCCTGGCAGCTGCAGCTGGGAGCGCACAGACGGCTGCC[C>A]CGCCTGAGCGAGGCGGGCGCCGCCGCGATGCTGCGAGGCGGACGGCGCGGGCAGCTTGGC-3'

ClinVar aggregate classification (germline): Likely benign (1 of 4 stars; one submission).

Allele frequency attached by ClinVar (database versions not stated): gnomAD 0.00009 and 0.00010; TOPMed 0.00009; gnomAD exomes 0.00016; ExAC 0.00111.
gnomAD v4.1: 115 of 1,429,792 alleles (0.008%); highest among the groups gnomAD compares: Admixed American, 0.006%; no homozygotes.

Submission:

GeneDx
Classification: Likely benign. Last evaluated: 2017-12-26. Review status: criteria provided, single submitter. Criteria: GeneDx Variant Classification (06012015). Collection method: clinical testing. Allele origin: germline. Affected: yes.
Comment: This variant is considered likely benign or benign based on one or more of the following criteria: it is a conservative change, it occurs at a poorly conserved position in the protein, it is predicted to be benign by multiple in silico algorithms, and/or has population frequency not consistent with disease.